The following is an entry in ClinVar:

NM_000140.5(FECH):c.1137+3A>G

Gene: FECH (ferrochelatase; minus strand). Cytogenetic location: 18q21.31.
Variant type: single nucleotide variant.
Coding change: c.1137+3A>G on transcript NM_000140.5 (MANE Select); 3 bases into the intron after coding-DNA position 1137, A replaced by G.
Molecular consequence: intron variant.
Genome position (GRCh38, 1-based): chr18:57,551,312, T>C on the plus strand (A>G on the coding strand, the complement: FECH is on the minus strand). VCF-style: chr18-57551312-T-C. GRCh37 (hg19) VCF-style: chr18-55218544-T-C.
Other names: p.?; IVS10DS, A-G, +3; c.1038+3A>G (NM_001371094.1); c.1078-466A>G (NM_001374778.1); c.1155+3A>G (NM_001012515.4); c.921+3A>G (NM_001371095.1); c.1137+3A>G (NM_000140.4).
Identifiers: ClinVar variation 553 (VCV000000553.8), dbSNP rs202147607, ClinGen allele CA251511.
Genomic context (GRCh38, chr18:57,551,312, plus strand): 5'-AGAGTTTCTCAGAGGATTACTCTCTGGTATGTTCTACTAAAACGATTGTAACACTGTAGA[T>C]ACCTTAGAGAACAATGGATTTCCATTAAGAGACTCAGCTCTTCTGATGTTTTCAACTCCA-3'

ClinVar aggregate classification (germline): Pathogenic/Likely pathogenic. Review status: criteria provided, multiple submitters, no conflicts (2 of 4 stars). 3 submissions from 3 submitters: Pathogenic (1); Likely pathogenic (1). 1 of the submissions does not count toward it. Last evaluated 2024-12-17.

Conditions:
Protoporphyria, erythropoietic, 1 (EPP1). Also called: Erythropoietic Protoporphyria, Autosomal Recessive; FERROCHELATASE DEFICIENCY; HEME SYNTHETASE DEFICIENCY. Identifiers: Orphanet 79278, MedGen C4692546, MONDO:0008319, OMIM 177000.

Allele frequency attached by ClinVar (database versions not stated): gnomAD exomes below 0.00001; ExAC 0.00001; gnomAD 0.00001; 1000 Genomes Project 0.00020; 1000 Genomes Project 30x 0.00031.
gnomAD v4.1: 4 of 1,603,560 alleles (0.00025%); highest among the groups gnomAD compares: Non-Finnish European, 0.00034%; no homozygotes.

Submissions (3):

Mayo Clinic Laboratories, Mayo Clinic
Classification: Likely pathogenic. Last evaluated: 2024-12-17. Review status: criteria provided, single submitter. Criteria: ACMG Guidelines, 2015. Collection method: clinical testing. Allele origin: germline. Observed: 1 variant allele.
Comment: PP4, PM2_supporting, PS1_supporting, PS4_moderate, PVS1_supporting

Labcorp Genetics (formerly Invitae), Labcorp
Classification: Pathogenic. Last evaluated: 2024-07-10. Review status: criteria provided, single submitter. Criteria: Invitae Variant Classification Sherloc (09022015). Collection method: clinical testing. Allele origin: germline.
Comment: This sequence change falls in intron 10 of the FECH gene. It does not directly change the encoded amino acid sequence of the FECH protein. RNA analysis indicates that this variant induces altered splicing and likely results in a shortened protein product. This variant is present in population databases (rs202147607, gnomAD 0.0009%). This variant has been observed in individual(s) with clinical features of erythropoietic protoporphyria (PMID: 7910885; Invitae). It has also been observed to segregate with disease in related individuals. ClinVar contains an entry for this variant (Variation ID: 553). Variants that disrupt the consensus splice site are a relatively common cause of aberrant splicing (PMID: 17576681, 9536098). Studies have shown that this variant results in skipping of exon 10, but is expected to preserve the integrity of the reading-frame (PMID: 7910885). For these reasons, this variant has been classified as Pathogenic.

OMIM
Classification: Pathogenic for PROTOPORPHYRIA, ERYTHROPOIETIC, 1. Last evaluated: 1994-06-04. Review status: no assertion criteria provided. Collection method: literature only. Allele origin: germline. Not counted in ClinVar's aggregate classification.

Literature cited by the submitters: PubMed 11039124 (cited by Mayo Clinic Laboratories, Mayo Clinic); PubMed 20105171 (cited by Mayo Clinic Laboratories, Mayo Clinic); PubMed 25525159 (cited by Mayo Clinic Laboratories, Mayo Clinic); PubMed 32873934 (cited by Mayo Clinic Laboratories, Mayo Clinic); PubMed 7910885 (cited by 3 submitters); PubMed 9585598 (cited by Mayo Clinic Laboratories, Mayo Clinic); PubMed 17576681 (cited by Labcorp Genetics (formerly Invitae), Labcorp); PubMed 9536098 (cited by Labcorp Genetics (formerly Invitae), Labcorp); PubMed 3047929 (cited by OMIM).